The following is an entry in ClinVar:

NM_033380.3(COL4A5):c.4069G>T (p.Gly1357Ter)

Gene: COL4A5 (collagen type IV alpha 5 chain; plus strand). Cytogenetic location: Xq22.3.
Variant type: single nucleotide variant.
Coding change: c.4069G>T on transcript NM_033380.3 (MANE Select); coding-DNA position 4069, G replaced by T.
Protein change: p.Gly1357Ter; replaces glycine 1357 with a stop codon.
Molecular consequence: nonsense.
Genome position (GRCh38, 1-based): chrX:108,680,938, G>T. VCF-style: chrX-108680938-G-T. GRCh37 (hg19) VCF-style: chrX-107924168-G-T.
Other names: c.4051G>T, p.Gly1351Ter (NM_000495.5); short protein forms G1351*, G1357*.
Identifiers: ClinVar variation 2133557 (VCV002133557.4), dbSNP rs2524613412, ClinGen allele CA413851202.

ClinVar aggregate classification (germline): Pathogenic (1 of 4 stars; one submission).

Submission:

Labcorp Genetics (formerly Invitae), Labcorp
Classification: Pathogenic. Last evaluated: 2022-05-04. Review status: criteria provided, single submitter. Criteria: Invitae Variant Classification Sherloc (09022015). Collection method: clinical testing. Allele origin: germline.
Comment: For these reasons, this variant has been classified as Pathogenic. This variant has not been reported in the literature in individuals affected with COL4A5-related conditions. This variant is not present in population databases (gnomAD no frequency). This sequence change creates a premature translational stop signal (p.Gly1351*) in the COL4A5 gene. It is expected to result in an absent or disrupted protein product. Loss-of-function variants in COL4A5 are known to be pathogenic (PMID: 9195222, 10752524, 14514738, 24854265, 26809805).

Literature cited by the submitters: PubMed 9195222; PubMed 10752524; PubMed 14514738; PubMed 24854265; PubMed 26809805.